The following is an entry in ClinVar:

ClinVar aggregate classification (germline): Uncertain significance. Review status: criteria provided, multiple submitters, no conflicts (2 of 4 stars). 2 submissions from 2 submitters: Uncertain significance (2). Last evaluated 2024-02-24.

Conditions:
Inborn genetic diseases. Identifiers: MedGen C0950123, MeSH D030342.

Allele frequency attached by ClinVar (database versions not stated): gnomAD 0.00001; ExAC 0.00002; gnomAD exomes 0.00003 and 0.00005; TOPMed 0.00003.
gnomAD v4.1: 16 of 1,613,880 alleles (0.00099%); highest among the groups gnomAD compares: Admixed American, 0.027%; no homozygotes.

Submissions (2):

Labcorp Genetics (formerly Invitae), Labcorp
Classification: Uncertain significance. Last evaluated: 2024-02-24. Review status: criteria provided, single submitter. Criteria: Invitae Variant Classification Sherloc (09022015). Collection method: clinical testing. Allele origin: germline.
Comment: This sequence change replaces proline, which is neutral and non-polar, with serine, which is neutral and polar, at codon 325 of the DYM protein (p.Pro325Ser). This variant is present in population databases (rs776657632, gnomAD 0.04%). This variant has not been reported in the literature in individuals affected with DYM-related conditions. ClinVar contains an entry for this variant (Variation ID: 1005145). Advanced modeling of protein sequence and biophysical properties (such as structural, functional, and spatial information, amino acid conservation, physicochemical variation, residue mobility, and thermodynamic stability) performed at Invitae indicates that this missense variant is not expected to disrupt DYM protein function with a negative predictive value of 80%. In summary, the available evidence is currently insufficient to determine the role of this variant in disease. Therefore, it has been classified as a Variant of Uncertain Significance.

Ambry Genetics
Classification: Uncertain significance for Inborn genetic diseases. Last evaluated: 2021-10-05. Review status: criteria provided, single submitter. Criteria: Ambry Variant Classification Scheme 2023. Collection method: clinical testing. Allele origin: germline.

NM_001353214.3(DYM):c.973C>T (p.Pro325Ser)

Gene: DYM (dymeclin; minus strand). Cytogenetic location: 18q21.1.
Variant type: single nucleotide variant.
Coding change: c.973C>T on transcript NM_001353214.3 (MANE Select); coding-DNA position 973, C replaced by T.
Protein change: p.Pro325Ser; replaces proline 325 with serine.
Molecular consequence: missense variant.
Genome position (GRCh38, 1-based): chr18:49,282,149, G>A on the plus strand (C>T on the coding strand, the complement: DYM is on the minus strand). VCF-style: chr18-49282149-G-A. GRCh37 (hg19) VCF-style: chr18-46808519-G-A.
Other names: c.970C>T, p.Pro324Ser (NM_001353210.3, NM_001353211.3, NM_001353212.3 and 3 more transcripts); c.973C>T, p.Pro325Ser (NM_001353215.3, NM_001353216.3, NM_001374428.1 and 5 more transcripts); c.967C>T, p.Pro323Ser (NM_001374429.1, NM_001374439.1); c.847C>T, p.Pro283Ser (NM_001374432.1, NM_001374436.1); c.790C>T, p.Pro264Ser (NM_001374437.1); c.745C>T, p.Pro249Ser (NM_001374440.1); c.403C>T, p.Pro135Ser (NM_001374441.1, NM_001374442.1, NM_001374444.1); c.400C>T, p.Pro134Ser (NM_001374443.1); and 1 more; short protein forms P134S, P135S, P249S, P264S, P283S, P323S, P324S, P325S.
Identifiers: ClinVar variation 1005145 (VCV001005145.5), dbSNP rs776657632, ClinGen allele CA8958185.